The following is an entry in ClinVar:

ClinVar aggregate classification (germline): Uncertain significance (1 of 4 stars; one submission).

Allele frequency attached by ClinVar (database versions not stated): ExAC 0.00006.
gnomAD v4.1: 34 of 1,549,642 alleles (0.0022%); highest among the groups gnomAD compares: Non-Finnish European, 0.0029%; no homozygotes.

Submission:

GeneDx
Classification: Uncertain significance. Last evaluated: 2022-01-11. Review status: criteria provided, single submitter. Criteria: GeneDx Variant Classification Process June 2021. Collection method: clinical testing. Allele origin: germline. Affected: yes.
Comment: In silico analysis supports that this missense variant does not alter protein structure/function; Has not been previously published as pathogenic or benign to our knowledge

NM_001142864.4(PIEZO1):c.1499G>C (p.Ser500Thr)

Genes: HSALR1 (HSP90AB1 associated lncRNA 1; plus strand), PIEZO1 (piezo type mechanosensitive ion channel component 1 (Er blood group); minus strand). Cytogenetic location: 16q24.3.
Variant type: single nucleotide variant.
Coding change: c.1499G>C on transcript NM_001142864.4 (MANE Select); coding-DNA position 1499, G replaced by C.
Protein change: p.Ser500Thr; replaces serine 500 with threonine.
Molecular consequence: missense variant.
Genome position (GRCh38, 1-based): chr16:88,736,206, C>G on the plus strand (G>C on the coding strand, the complement: PIEZO1 is on the minus strand). VCF-style: chr16-88736206-C-G. GRCh37 (hg19) VCF-style: chr16-88802614-C-G.
Other names: short protein forms S500T.
Identifiers: ClinVar variation 1695618 (VCV001695618.2), dbSNP rs756168052, ClinGen allele CA8232989.